The following is an entry in ClinVar:

ClinVar aggregate classification (germline): Conflicting classifications of pathogenicity. Review status: criteria provided, conflicting classifications (1 of 4 stars). 7 submissions from 7 submitters: Uncertain significance (4); Likely benign (2). 1 of the submissions does not count toward it. Last evaluated 2026-04-02.

Conditions:
Cardiovascular phenotype. Identifiers: MedGen CN230736.
Myofibrillar myopathy 4. Also called: Zaspopathy (type). Identifiers: Orphanet 98912, MedGen C4721886, MONDO:0012277, OMIM 609452.

Allele frequency attached by ClinVar (database versions not stated): gnomAD exomes 0.00006; ExAC 0.00007; ESP Exome Variant Server 0.00008; gnomAD 0.00017 and 0.00018; TOPMed 0.00028.
gnomAD v4.1: 83 of 1,613,980 alleles (0.0051%); highest among the groups gnomAD compares: African/African-American, 0.047%; no homozygotes.

Submissions (7):

Women's Health and Genetics/Laboratory Corporation of America, LabCorp
Classification: Uncertain significance. Last evaluated: 2026-04-02. Review status: criteria provided, single submitter. Criteria: LabCorp Variant Classification Summary - May 2015. Collection method: clinical testing. Allele origin: germline.
Comment: Variant summary: LDB3 c.1910C>T (p.Ala637Val) results in a non-conservative amino acid change in the encoded protein sequence. Algorithms developed to predict the effect of missense changes on protein structure and function all suggest that this variant is likely to be disruptive. The variant allele was found at a frequency of 6e-05 in 251422 control chromosomes (gnomAD). This frequency is not significantly higher than estimated for disease-causing variants in LDB3, allowing no conclusion about variant significance. c.1910C>T has been observed in an individual affected with Dilated Cardiomyopathy (Pugh_2014). This report does not provide unequivocal conclusions about association of the variant with Hypertrophic Cardiomyopathy. To our knowledge, no experimental evidence demonstrating an impact on protein function has been reported. The following publication has been ascertained in the context of this evaluation (PMID: 24503780). ClinVar contains an entry for this variant (Variation ID: 45536). Based on the evidence outlined above, the variant was classified as uncertain significance.

Labcorp Genetics (formerly Invitae), Labcorp
Classification: Uncertain significance for Myofibrillar myopathy 4. Last evaluated: 2026-01-15. Review status: criteria provided, single submitter. Criteria: Invitae Variant Classification Sherloc (09022015). Collection method: clinical testing. Allele origin: germline.
Comment: The LDB3 gene has multiple clinically relevant transcripts. This variant occurs in alternate transcript NM_007078.3, and corresponds to NM_001080116.1:c.*19405C>T in the primary transcript. This sequence change replaces alanine, which is neutral and non-polar, with valine, which is neutral and non-polar, at codon 637 of the LDB3 protein (p.Ala637Val). This variant is present in population databases (rs141569007, gnomAD 0.05%). This missense change has been observed in individual(s) with dilated cardiomyopathy (PMID: 24503780). ClinVar contains an entry for this variant (Variation ID: 45536). Experimental studies and prediction algorithms are not available or were not evaluated, and the functional significance of this variant is currently unknown. In summary, the available evidence is currently insufficient to determine the role of this variant in disease. Therefore, it has been classified as a Variant of Uncertain Significance.

Ambry Genetics
Classification: Uncertain significance for Cardiovascular phenotype. Last evaluated: 2025-12-11. Review status: criteria provided, single submitter. Criteria: Ambry Variant Classification Scheme 2023. Collection method: clinical testing. Allele origin: germline.
Comment: The p.A637V variant (also known as c.1910C>T), located in coding exon 11 of the LDB3 gene, results from a C to T substitution at nucleotide position 1910. The alanine at codon 637 is replaced by valine, an amino acid with similar properties. This variant has been reported in an individual with dilated cardiomyopathy (Pugh et al. Genet Med. 2014;16(8):601-8). This amino acid position is highly conserved in available vertebrate species. In addition, the in silico prediction for this alteration is inconclusive. Since supporting evidence is limited at this time, the clinical significance of this alteration remains unclear.

Blueprint Genetics
Classification: Likely benign. Last evaluated: 2023-10-12. Review status: criteria provided, single submitter. Criteria: ACMG Guidelines, 2015. Collection method: clinical testing. Allele origin: germline.

GeneDx
Classification: Likely benign. Last evaluated: 2019-05-13. Review status: criteria provided, single submitter. Criteria: GeneDx Variant Classification Process June 2021. Collection method: clinical testing. Allele origin: germline. Affected: yes.
Comment: This variant is associated with the following publications: (PMID: 27532257, 24503780)

Stanford Center for Inherited Cardiovascular Disease, Stanford University
Classification: Uncertain significance. Last evaluated: 2013-07-31. Review status: criteria provided, single submitter. Criteria: ACMG Guidelines, 2015. Collection method: provider interpretation. Allele origin: germline.

Laboratory for Molecular Medicine, Mass General Brigham Personalized Medicine
Classification: Uncertain significance. Last evaluated: 2008-06-18. Review status: no assertion criteria provided. Collection method: clinical testing. Allele origin: germline. Observed: 1 variant allele. Not counted in ClinVar's aggregate classification.

Literature cited by the submitters: PubMed 24503780 (cited by 3 submitters); PubMed 27532257 (cited by Ambry Genetics).

NM_007078.3(LDB3):c.1910C>T (p.Ala637Val)

Gene: LDB3 (LIM domain binding 3; plus strand). Cytogenetic location: 10q23.2.
Variant type: single nucleotide variant.
Coding change: c.1910C>T on transcript NM_007078.3 (MANE Select); coding-DNA position 1910, C replaced by T.
Protein change: p.Ala637Val; replaces alanine 637 with valine.
Molecular consequence: missense variant.
Genome position (GRCh38, 1-based): chr10:86,718,779, C>T. VCF-style: chr10-86718779-C-T. GRCh37 (hg19) VCF-style: chr10-88478536-C-T.
Other names: c.1580C>T, p.Ala527Val (NM_001080114.2); c.1925C>T, p.Ala642Val (NM_001171610.2); c.1721C>T, p.Ala574Val (NM_001368064.1, NM_001368065.1); c.1769C>T, p.Ala590Val (NM_001368066.1); short protein forms A637V, A590V, A642V, A574V, A527V.
Identifiers: ClinVar variation 45536 (VCV000045536.24), dbSNP rs141569007, ClinGen allele CA136568.